The following is an entry in ClinVar:

NM_001363652.2(NPR3):c.18G>A (p.Leu6=)

Gene: NPR3 (natriuretic peptide receptor 3; plus strand). Cytogenetic location: 5p13.3.
Variant type: single nucleotide variant.
Coding change: c.18G>A on transcript NM_001363652.2; coding-DNA position 18, G replaced by A.
Protein change: p.Leu6=; no amino-acid change (leucine 6 retained).
Molecular consequence: synonymous variant. On other transcripts: intron variant (1).
Genome position (GRCh38, 1-based): chr5:32,710,680, G>A. VCF-style: chr5-32710680-G-A. GRCh37 (hg19) VCF-style: chr5-32710786-G-A.
Other names: c.18G>A, p.Leu6= (NM_001204376.2, NM_001364460.2); c.50-14018G>A (NM_001364458.2).
Identifiers: ClinVar variation 3058216 (VCV003058216.2), dbSNP rs572035979, ClinGen allele CA3222308.
Genomic context (GRCh38, chr5:32,710,680, plus strand): 5'-GGTGTAGGTGACGCCCGGGCCAGCCGGGCACACCAGGTCCGCGATGGAGCCATCTGCACT[G>A]GGACCTTGGTCCTTGTTCCCTGACCTTGCGCCGAGGGACCAGGAAGGTCAGGTGCTCGCC-3'

ClinVar aggregate classification (germline): Benign (0 of 4 stars; one submission).

Conditions:
NPR3-related disorder. Also called: NPR3-related condition.

Allele frequency attached by ClinVar (database versions not stated): TOPMed 0.00004; gnomAD 0.00037; 1000 Genomes Project 30x 0.00297; 1000 Genomes Project 0.00300; gnomAD exomes 0.00061; ExAC 0.00627.
gnomAD v4.1: 899 of 1,540,660 alleles (0.058%); highest among the groups gnomAD compares: South Asian, 1%; 12 homozygotes.

Submission:

PreventionGenetics, part of Exact Sciences
Classification: Benign for NPR3-related condition. Last evaluated: 2019-03-20. Review status: no assertion criteria provided. Collection method: clinical testing. Allele origin: germline.
Comment: This variant is classified as benign based on ACMG/AMP sequence variant interpretation guidelines (Richards et al. 2015 PMID: 25741868, with internal and published modifications).